The following is an entry in ClinVar:

ClinVar aggregate classification (germline): Pathogenic (1 of 4 stars; one submission).

Conditions:
Charcot-Marie-Tooth disease recessive intermediate C. Also called: CHARCOT-MARIE-TOOTH NEUROPATHY, RECESSIVE INTERMEDIATE C. Identifiers: Orphanet 369867, MedGen C3809309, MONDO:0014154, OMIM 615376.
Neuronopathy, distal hereditary motor, autosomal recessive 4. Also called: Autosomal recessive lower motor neuron disease with childhood onset; NEUROPATHY, DISTAL HEREDITARY MOTOR, AUTOSOMAL RECESSIVE 4. Identifiers: Orphanet 206580, MedGen C1970211, MONDO:0012608, OMIM 611067.

Submission:

Labcorp Genetics (formerly Invitae), Labcorp
Classification: Pathogenic for Neuronopathy, distal hereditary motor, autosomal recessive 4; Charcot-Marie-Tooth disease recessive intermediate C. Last evaluated: 2025-02-24. Review status: criteria provided, single submitter. Criteria: Invitae Variant Classification Sherloc (09022015). Collection method: clinical testing. Allele origin: germline.
Comment: This sequence change creates a premature translational stop signal (p.Tyr438*) in the PLEKHG5 gene. It is expected to result in an absent or disrupted protein product. Loss-of-function variants in PLEKHG5 are known to be pathogenic (PMID: 17564964, 23777631). This variant is not present in population databases (gnomAD no frequency). This variant has not been reported in the literature in individuals affected with PLEKHG5-related conditions. For these reasons, this variant has been classified as Pathogenic.

Literature cited by the submitters: PubMed 17564964; PubMed 23777631.

NM_020631.6(PLEKHG5):c.1314C>G (p.Tyr438Ter)

Gene: PLEKHG5 (pleckstrin homology and RhoGEF domain containing G5; minus strand). Cytogenetic location: 1p36.31.
Variant type: single nucleotide variant.
Coding change: c.1314C>G on transcript NM_020631.6 (MANE Select); coding-DNA position 1314, C replaced by G.
Protein change: p.Tyr438Ter; replaces tyrosine 438 with a stop codon.
Molecular consequence: nonsense.
Genome position (GRCh38, 1-based): chr1:6,471,068, G>C on the plus strand (C>G on the coding strand, the complement: PLEKHG5 is on the minus strand). VCF-style: chr1-6471068-G-C. GRCh37 (hg19) VCF-style: chr1-6531128-G-C.
Other names: c.1425C>G, p.Tyr475Ter (NM_001042663.3, NM_001265592.2); c.1314C>G, p.Tyr438Ter (NM_001042664.2, NM_001042665.2, NM_001265594.3 and 1 more transcripts); c.1521C>G, p.Tyr507Ter (NM_001265593.2); short protein forms Y475*, Y507*, Y438*.
Identifiers: ClinVar variation 4784249 (VCV004784249.1).
Genomic context (GRCh38, chr1:6,471,068, plus strand): 5'-GAGGTCGTTGTCGCGCAGCAGGCCGCGCATGTACTCCATGCAGCCCTCCTCCTCCATGCA[G>C]TAGCGGATGTAGGGCTTGAAGAGCGAGCCGAACTGGCCCGGGGCAGAACAACCACGGCGC-3'